The following is an entry in ClinVar:

NM_000264.5(PTCH1):c.1116G>A (p.Met372Ile)

Gene: PTCH1 (patched 1; minus strand). Cytogenetic location: 9q22.32.
Variant type: single nucleotide variant.
Coding change: c.1116G>A on transcript NM_000264.5 (MANE Select); coding-DNA position 1116, G replaced by A.
Protein change: p.Met372Ile; replaces methionine 372 with isoleucine.
Molecular consequence: missense variant. On other transcripts: non-coding transcript variant (1).
Genome position (GRCh38, 1-based): chr9:95,479,099, C>T on the plus strand (G>A on the coding strand, the complement: PTCH1 is on the minus strand). VCF-style: chr9-95479099-C-T. GRCh37 (hg19) VCF-style: chr9-98241381-C-T.
Other names: c.918G>A, p.Met306Ile (NM_001083602.3); c.1113G>A, p.Met371Ile (NM_001083603.3); c.663G>A, p.Met221Ile (NM_001083604.3, NM_001083605.3, NM_001083606.3 and 1 more transcripts); c.1116G>A, p.Met372Ile (NM_001354918.2); short protein forms M221I, M306I, M371I, M372I.
Identifiers: ClinVar variation 3230931 (VCV003230931.3), dbSNP rs1841328115, ClinGen allele CA374119434.

ClinVar aggregate classification (germline): Uncertain significance. Review status: criteria provided, multiple submitters, no conflicts (2 of 4 stars). 2 submissions from 2 submitters: Uncertain significance (2). Last evaluated 2025-02-21.

Conditions:
Hereditary cancer-predisposing syndrome. Also called: Hereditary Cancer Syndrome; Tumor predisposition; Neoplastic Syndromes, Hereditary; Hereditary neoplastic syndrome. Identifiers: Orphanet 140162, MedGen C0027672, MeSH D009386, MONDO:0015356.
Gorlin syndrome. Also called: Nevoid Basal Cell Carcinoma Syndrome; Basal cell nevus syndrome. Identifiers: Orphanet 377, MedGen C0004779, MONDO:0007187.

Allele frequency attached by ClinVar (database versions not stated): gnomAD exomes below 0.00001.
gnomAD v4.1: 1 of 1,614,114 alleles (0.000062%); highest among the groups gnomAD compares: South Asian, 0.0011%; no homozygotes.

Submissions (2):

Labcorp Genetics (formerly Invitae), Labcorp
Classification: Uncertain significance for Gorlin syndrome. Last evaluated: 2025-02-21. Review status: criteria provided, single submitter. Criteria: Invitae Variant Classification Sherloc (09022015). Collection method: clinical testing. Allele origin: germline.
Comment: This sequence change replaces methionine, which is neutral and non-polar, with isoleucine, which is neutral and non-polar, at codon 372 of the PTCH1 protein (p.Met372Ile). This variant is not present in population databases (gnomAD no frequency). This variant has not been reported in the literature in individuals affected with PTCH1-related conditions. ClinVar contains an entry for this variant (Variation ID: 3230931). Invitae Evidence Modeling of protein sequence and biophysical properties (such as structural, functional, and spatial information, amino acid conservation, physicochemical variation, residue mobility, and thermodynamic stability) has been performed for this missense variant. However, the output from this modeling did not meet the statistical confidence thresholds required to predict the impact of this variant on PTCH1 protein function. In summary, the available evidence is currently insufficient to determine the role of this variant in disease. Therefore, it has been classified as a Variant of Uncertain Significance.

Ambry Genetics
Classification: Uncertain significance for Hereditary cancer-predisposing syndrome. Last evaluated: 2024-11-12. Review status: criteria provided, single submitter. Criteria: Ambry Variant Classification Scheme 2023. Collection method: clinical testing. Allele origin: germline.